The following is an entry in ClinVar:

NM_152383.5(DIS3L2):c.210+1G>T

Gene: DIS3L2 (DIS3 like 3'-5' exoribonuclease 2; plus strand). Cytogenetic location: 2q37.1.
Variant type: single nucleotide variant.
Coding change: c.210+1G>T on transcript NM_152383.5 (MANE Select); the canonical splice donor site of the intron after coding-DNA position 210, G replaced by T.
Molecular consequence: splice donor variant.
Genome position (GRCh38, 1-based): chr2:232,015,672, G>T. VCF-style: chr2-232015672-G-T. GRCh37 (hg19) VCF-style: chr2-232880382-G-T.
Other names: c.210+1G>T (NM_001257281.2, NM_001257282.2).
Identifiers: ClinVar variation 2086653 (VCV002086653.4), dbSNP rs746627444, ClinGen allele CA351152139.
Genomic context (GRCh38, chr2:232,015,672, plus strand): 5'-GAAACTTACATGTCCAAGGAGGATGTTTCAGAAGGCTTGAAGAGAGGAACACTCATCCAG[G>T]TGCTTAAAATCTACTGGAAGGCTATTCTCTGAATATGTAGAATCCAAAACAATCTATTAA-3'

ClinVar aggregate classification (germline): Likely pathogenic (1 of 4 stars; one submission).

Conditions:
Perlman syndrome (PRLMNS). Identifiers: Orphanet 2849, MedGen C0796113, MONDO:0009965, OMIM 267000.

Submission:

Labcorp Genetics (formerly Invitae), Labcorp
Classification: Likely pathogenic for Perlman syndrome. Last evaluated: 2022-01-17. Review status: criteria provided, single submitter. Criteria: Invitae Variant Classification Sherloc (09022015). Collection method: clinical testing. Allele origin: germline.
Comment: This sequence change affects a donor splice site in intron 3 of the DIS3L2 gene. It is expected to disrupt RNA splicing. Variants that disrupt the donor or acceptor splice site typically lead to a loss of protein function (PMID: 16199547), and loss-of-function variants in DIS3L2 are known to be pathogenic (PMID: 22306653, 28328139). In summary, the currently available evidence indicates that the variant is pathogenic, but additional data are needed to prove that conclusively. Therefore, this variant has been classified as Likely Pathogenic. Algorithms developed to predict the effect of sequence changes on RNA splicing suggest that this variant may disrupt the consensus splice site. This variant has not been reported in the literature in individuals affected with DIS3L2-related conditions. This variant is not present in population databases (gnomAD no frequency).

Literature cited by the submitters: PubMed 16199547; PubMed 22306653; PubMed 28328139.